The following is an entry in ClinVar:

ClinVar aggregate classification (germline): Uncertain significance. Review status: criteria provided, multiple submitters, no conflicts (2 of 4 stars). 2 submissions from 2 submitters: Uncertain significance (2). Last evaluated 2025-04-25.

Conditions:
Familial thoracic aortic aneurysm and aortic dissection (TAAD). Also called: Thoracic aortic aneurysms and dissections. Identifiers: Orphanet 91387, MedGen C4707243, MONDO:0019625.

Submissions (2):

GeneDx
Classification: Uncertain significance. Last evaluated: 2025-04-25. Review status: criteria provided, single submitter. Criteria: GeneDx Variant Classification Process June 2021. Collection method: clinical testing. Allele origin: germline. Affected: yes.
Comment: Not observed at significant frequency in large population cohorts (gnomAD); In silico analysis indicates that this missense variant does not alter protein structure/function; Has not been previously published as pathogenic or benign to our knowledge; This variant is associated with the following publications: (PMID: 12938084)

Color Diagnostics, LLC DBA Color Health
Classification: Uncertain significance for Familial thoracic aortic aneurysm and aortic dissection. Last evaluated: 2024-03-06. Review status: criteria provided, single submitter. Criteria: ACMG Guidelines, 2015. Collection method: clinical testing. Allele origin: germline.
Comment: This missense variant replaces proline with leucine at codon 416 of the FBN1 protein. Computational prediction suggests that this variant may not impact protein structure and function (internally defined REVEL score threshold <= 0.5, PMID: 27666373). To our knowledge, functional studies have not been reported for this variant. This variant has not been reported in individuals affected with cardiovascular disorders in the literature. This variant has not been identified in the general population by the Genome Aggregation Database (gnomAD). The available evidence is insufficient to determine the role of this variant in disease conclusively. Therefore, this variant is classified as a Variant of Uncertain Significance.

NM_000138.5(FBN1):c.1247C>T (p.Pro416Leu)

Gene: FBN1 (fibrillin 1; minus strand). Cytogenetic location: 15q21.1.
Variant type: single nucleotide variant.
Coding change: c.1247C>T on transcript NM_000138.5 (MANE Select); coding-DNA position 1247, C replaced by T.
Protein change: p.Pro416Leu; replaces proline 416 with leucine.
Molecular consequence: missense variant.
Genome position (GRCh38, 1-based): chr15:48,516,263, G>A on the plus strand (C>T on the coding strand, the complement: FBN1 is on the minus strand). VCF-style: chr15-48516263-G-A. GRCh37 (hg19) VCF-style: chr15-48808460-G-A.
Other names: short protein forms P416L.
Identifiers: ClinVar variation 1331863 (VCV001331863.4), dbSNP rs2141330993, ClinGen allele CA392345541.